The following is an entry in ClinVar:

NM_001367823.1(ARHGEF18):c.3480+5G>A

Gene: ARHGEF18 (Rho/Rac guanine nucleotide exchange factor 18; plus strand). Cytogenetic location: 19p13.2.
Variant type: single nucleotide variant.
Coding change: c.3480+5G>A on transcript NM_001367823.1 (MANE Select); 5 bases into the intron after coding-DNA position 3480, G replaced by A.
Molecular consequence: intron variant.
Genome position (GRCh38, 1-based): chr19:7,467,689, G>A. VCF-style: chr19-7467689-G-A. GRCh37 (hg19) VCF-style: chr19-7532575-G-A.
Other names: c.2442+5G>A (NM_001367824.1, NM_015318.4); c.2754+5G>A (NM_001130955.2).
Identifiers: ClinVar variation 789457 (VCV000789457.13), dbSNP rs116849358, ClinGen allele CA9137141.

ClinVar aggregate classification (germline): Benign. Review status: criteria provided, multiple submitters, no conflicts (2 of 4 stars). 3 submissions from 3 submitters: Benign (2). 1 of the submissions does not count toward it. Last evaluated 2026-01-06.

Conditions:
ARHGEF18-related disorder. Also called: ARHGEF18-related condition.

Allele frequency attached by ClinVar (database versions not stated): gnomAD 0.00264 and 0.00368; gnomAD exomes 0.00266 and 0.00719; TOPMed 0.00321; ExAC 0.00640; 1000 Genomes Project 30x 0.01515; 1000 Genomes Project 0.01637.
gnomAD v4.1: 4,159 of 1,481,784 alleles (0.28%); highest among the groups gnomAD compares: East Asian, 7.9%; 145 homozygotes.

Submissions (3):

Labcorp Genetics (formerly Invitae), Labcorp
Classification: Benign. Last evaluated: 2026-01-06. Review status: criteria provided, single submitter. Criteria: Invitae Variant Classification Sherloc (09022015). Collection method: clinical testing. Allele origin: germline.

Breakthrough Genomics
Classification: Benign. Review status: criteria provided, single submitter. Criteria: ACMG Guidelines, 2015. Collection method: not provided. Allele origin: germline. Inheritance: Autosomal recessive inheritance. Affected: yes.

PreventionGenetics, part of Exact Sciences
Classification: Benign for ARHGEF18-related condition. Last evaluated: 2024-06-03. Review status: no assertion criteria provided. Collection method: clinical testing. Allele origin: germline. Not counted in ClinVar's aggregate classification.
Comment: This variant is classified as benign based on ACMG/AMP sequence variant interpretation guidelines (Richards et al. 2015 PMID: 25741868, with internal and published modifications).